The following is an entry in ClinVar:

ClinVar aggregate classification (germline): Likely benign. Review status: criteria provided, multiple submitters, no conflicts (2 of 4 stars). 4 submissions from 4 submitters: Likely benign (4). Last evaluated 2025-05-19.

Conditions:
Cardiovascular phenotype. Identifiers: MedGen CN230736.
Autosomal recessive limb-girdle muscular dystrophy type 2J (LGMDR10). Also called: MUSCULAR DYSTROPHY, LIMB-GIRDLE, AUTOSOMAL RECESSIVE 10; Limb-girdle muscular dystrophy, type 2J. Identifiers: Orphanet 140922, MedGen C1837342, MONDO:0012127, OMIM 608807.
Dilated cardiomyopathy 1G (CMD1G). Identifiers: Orphanet 154, MedGen C1858763, MONDO:0011400, OMIM 604145.
Tibial muscular dystrophy (TMD). Also called: Tibial muscular dystrophy, tardive; Udd Distal Myopathy – Tibial Muscular Dystrophy; UDD MYOPATHY. Identifiers: Orphanet 609, MedGen C1838244, MONDO:0010870, OMIM 600334.
Myopathy, myofibrillar, 9, with early respiratory failure (MFM9). Also called: Myopathy, distal, with early respiratory failure, autosomal dominant; EDSTROM MYOPATHY; MYOPATHY, PROXIMAL, WITH EARLY RESPIRATORY MUSCLE INVOLVEMENT; Hereditary myopathy with early respiratory failure. Identifiers: Orphanet 178464, Orphanet 34521, MedGen C1863599, MONDO:0011362, OMIM 603689.
Early-onset myopathy with fatal cardiomyopathy (CMYO5). Also called: CONGENITAL MYOPATHY 5 WITH CARDIOMYOPATHY; Salih Myopathy. Identifiers: Orphanet 289377, MedGen C2673677, MONDO:0012714, OMIM 611705. Disease mechanism: loss of function.
Hypertrophic cardiomyopathy 9. Also called: Familial hypertrophic cardiomyopathy 9. Identifiers: MedGen C1861065, MONDO:0013412, OMIM 613765.

Allele frequency attached by ClinVar (database versions not stated): TOPMed 0.00002.
gnomAD v4.1: 34 of 1,612,730 alleles (0.0021%); highest among the groups gnomAD compares: Non-Finnish European, 0.0029%; no homozygotes.

Submissions (4):

Labcorp Genetics (formerly Invitae), Labcorp
Classification: Likely benign for Dilated cardiomyopathy 1G; Autosomal recessive limb-girdle muscular dystrophy type 2J. Last evaluated: 2025-05-19. Review status: criteria provided, single submitter. Criteria: Invitae Variant Classification Sherloc (09022015). Collection method: clinical testing. Allele origin: germline.

Fulgent Genetics
Classification: Likely benign for Tibial muscular dystrophy; Myopathy, myofibrillar, 9, with early respiratory failure; Dilated cardiomyopathy 1G; Autosomal recessive limb-girdle muscular dystrophy type 2J; Early-onset myopathy with fatal cardiomyopathy; Hypertrophic cardiomyopathy 9. Last evaluated: 2021-08-27. Review status: criteria provided, single submitter. Criteria: ACMG Guidelines, 2015. Collection method: clinical testing. Allele origin: unknown.

Ambry Genetics
Classification: Likely benign for Cardiovascular phenotype. Last evaluated: 2020-10-03. Review status: criteria provided, single submitter. Criteria: Ambry Variant Classification Scheme 2023. Collection method: clinical testing. Allele origin: germline.

Laboratory for Molecular Medicine, Mass General Brigham Personalized Medicine
Classification: Likely benign. Last evaluated: 2013-04-09. Review status: criteria provided, single submitter. Criteria: LMM Criteria. Collection method: clinical testing. Allele origin: germline. Observed: 1 variant allele.
Comment: Glu19450Glu in exon 263 of TTN: This variant is not expected to have clinical si gnificance because it does not alter an amino acid residue and is not located wi thin the splice consensus sequence. Glu19450Glu in exon 263 of TTN (allele freq uency = n/a)

NM_001267550.2(TTN):c.66054G>A (p.Glu22018=)

Genes: TTN (titin; minus strand), TTN-AS1 (TTN antisense RNA 1; plus strand). Cytogenetic location: 2q31.2.
Variant type: single nucleotide variant.
Coding change: c.66054G>A on transcript NM_001267550.2 (MANE Select); coding-DNA position 66054, G replaced by A.
Protein change: p.Glu22018=; no amino-acid change (glutamic acid 22018 retained).
Molecular consequence: synonymous variant.
Genome position (GRCh38, 1-based): chr2:178,582,402, C>T on the plus strand (G>A on the coding strand, the complement: TTN is on the minus strand). VCF-style: chr2-178582402-C-T. GRCh37 (hg19) VCF-style: chr2-179447129-C-T.
Other names: c.58350G>A, p.Glu19450= (NM_133378.4); c.61131G>A, p.Glu20377= (NM_001256850.1); c.38859G>A, p.Glu12953= (NM_003319.4); c.39234G>A, p.Glu13078= (NM_133432.3); c.39435G>A, p.Glu13145= (NM_133437.4).
Identifiers: ClinVar variation 165890 (VCV000165890.16), dbSNP rs727503579, ClinGen allele CA178596.